The following is an entry in ClinVar:

ClinVar aggregate classification (germline): Uncertain significance (1 of 4 stars; one submission).

gnomAD v4.1: 10 of 1,609,836 alleles (0.00062%); highest among the groups gnomAD compares: Non-Finnish European, 0.00076%; no homozygotes.

Submission:

GeneDx
Classification: Uncertain significance. Last evaluated: 2024-08-16. Review status: criteria provided, single submitter. Criteria: GeneDx Variant Classification Process June 2021. Collection method: clinical testing. Allele origin: germline. Affected: yes.
Comment: Not observed at significant frequency in large population cohorts (gnomAD); In silico analysis indicates that this missense variant does not alter protein structure/function; Has not been previously published as pathogenic or benign to our knowledge

NM_003632.3(CNTNAP1):c.3344A>G (p.Asp1115Gly)

Gene: CNTNAP1 (contactin associated protein 1; plus strand). Cytogenetic location: 17q21.2.
Variant type: single nucleotide variant.
Coding change: c.3344A>G on transcript NM_003632.3 (MANE Select); coding-DNA position 3344, A replaced by G.
Protein change: p.Asp1115Gly; replaces aspartic acid 1115 with glycine.
Molecular consequence: missense variant.
Genome position (GRCh38, 1-based): chr17:42,695,872, A>G. VCF-style: chr17-42695872-A-G. GRCh37 (hg19) VCF-style: chr17-40847890-A-G.
Other names: short protein forms D1115G.
Identifiers: ClinVar variation 3731114 (VCV003731114.1).